The following is an entry in ClinVar:

NM_024753.5(TTC21B):c.2569-10dup

Gene: TTC21B (tetratricopeptide repeat domain 21B; minus strand). Cytogenetic location: 2q24.3.
Variant type: Duplication.
Coding change: c.2569-10dup on transcript NM_024753.5 (MANE Select); 10 bases into the intron before coding-DNA position 2569, one base duplicated (T; older notation c.2569-10dupT).
Molecular consequence: intron variant.
Genome position (GRCh38, 1-based): chr2:165,901,915, A duplicated on the plus strand (T on the coding strand, the reverse complement: TTC21B is on the minus strand); the first of 6 consecutive A bases (chr2:165,901,915-165,901,920); duplicating any one gives the same sequence. VCF-style (leftmost placement, unchanged base first): chr2-165901914-G-GA. GRCh37 (hg19) VCF-style: chr2-166758424-G-GA.
Other names: p.?; c.2569-5dup (NM_024753.5); c.2569-5dupT (NM_024753.4).
Identifiers: ClinVar variation 195530 (VCV000195530.29), dbSNP rs144600502, ClinGen allele CA201811.

ClinVar aggregate classification (germline): Benign/Likely benign. Review status: criteria provided, multiple submitters, no conflicts (2 of 4 stars). 7 submissions from 7 submitters: Benign (4); Likely benign (3). Last evaluated 2026-02-01.

Conditions:
Connective tissue disorder. Also called: Connective tissue disease. Identifiers: MedGen C0009782, MONDO:0003900.
Nephronophthisis. Also called: Juvenile Nephronophthisis. Identifiers: Orphanet 655, MedGen C0687120, MONDO:0019005, HP:0000090.
Jeune thoracic dystrophy. Also called: Jeune syndrome; Infantile thoracic dystrophy; Thoracic pelvic phalangeal dystrophy; Jeune's syndrome; Chondroectodermal dysplasia-like syndrome; Short-rib thoracic dysplasia. Identifiers: Orphanet 474, MedGen C0265275, MONDO:0018770.

Submissions (7):

Labcorp Genetics (formerly Invitae), Labcorp
Classification: Benign for Jeune thoracic dystrophy; Nephronophthisis. Last evaluated: 2026-02-01. Review status: criteria provided, single submitter. Criteria: Invitae Variant Classification Sherloc (09022015). Collection method: clinical testing. Allele origin: germline.

Blueprint Genetics
Classification: Likely benign. Last evaluated: 2024-10-08. Review status: criteria provided, single submitter. Criteria: ACMG Guidelines, 2015. Collection method: clinical testing. Allele origin: germline.

Mayo Clinic Laboratories, Mayo Clinic
Classification: Benign. Last evaluated: 2023-07-03. Review status: criteria provided, single submitter. Criteria: ACMG Guidelines, 2015. Collection method: clinical testing. Allele origin: germline. Observed: 6 variant alleles.
Comment: BS1, BS2, BP4, BP7

Genome Diagnostics Laboratory, The Hospital for Sick Children
Classification: Likely benign for Connective tissue disorder. Last evaluated: 2019-08-01. Review status: criteria provided, single submitter. Criteria: ACMG Guidelines, 2015. Collection method: clinical testing. Allele origin: germline.

GeneDx
Classification: Benign. Last evaluated: 2018-05-31. Review status: criteria provided, single submitter. Criteria: GeneDx Variant Classification Process June 2021. Collection method: clinical testing. Allele origin: germline. Affected: yes.

Eurofins Ntd Llc (ga)
Classification: Benign. Last evaluated: 2014-09-15. Review status: criteria provided, single submitter. Criteria: EGL Classification Definitions. Collection method: clinical testing. Allele origin: germline. Observed: 1 variant allele, 1 heterozygote.

PreventionGenetics, part of Exact Sciences
Classification: Likely benign. Review status: criteria provided, single submitter. Criteria: ACMG Guidelines, 2015. Collection method: clinical testing. Allele origin: germline.